The following is an entry in ClinVar:

NM_001040108.2(MLH3):c.3021T>G (p.Asn1007Lys)

Gene: MLH3 (mutL homolog 3; minus strand). Cytogenetic location: 14q24.3.
Variant type: single nucleotide variant.
Coding change: c.3021T>G on transcript NM_001040108.2 (MANE Select); coding-DNA position 3021, T replaced by G.
Protein change: p.Asn1007Lys; replaces asparagine 1007 with lysine.
Molecular consequence: missense variant.
Genome position (GRCh38, 1-based): chr14:75,046,635, A>C on the plus strand (T>G on the coding strand, the complement: MLH3 is on the minus strand). VCF-style: chr14-75046635-A-C. GRCh37 (hg19) VCF-style: chr14-75513338-A-C.
Other names: c.3021T>G, p.Asn1007Lys (NM_014381.3); short protein forms N1007K.
Identifiers: ClinVar variation 544266 (VCV000544266.12), dbSNP rs1360064914, ClinGen allele CA390436861.
Genomic context (GRCh38, chr14:75,046,635, plus strand): 5'-TTTAGATTCCTCACTCTGAAAACAAATTCCATTTTGGTCACCTGTGGCATCTTCTACCGG[A>C]TTCATTAACATTCCACTGGGAGAGTCAAGACTTCCTATCTGTTGTTCTGAGGCTCTGATA-3'
Protein context (NP_001035197.1, residues 997-1017): SLDSPSGMLM[Asn1007Lys]PVEDATGDQN

ClinVar aggregate classification (germline): Uncertain significance. Review status: criteria provided, multiple submitters, no conflicts (2 of 4 stars). 2 submissions from 2 submitters: Uncertain significance (2). Last evaluated 2025-08-14.

Conditions:
Colorectal cancer, hereditary nonpolyposis, type 7. Identifiers: Orphanet 144, MedGen C1858380, MONDO:0013725, OMIM 614385.

Allele frequency attached by ClinVar (database versions not stated): gnomAD exomes below 0.00001 and 0.00001; gnomAD 0.00001; TOPMed 0.00001.
gnomAD v4.1: 12 of 1,614,096 alleles (0.00074%); highest among the groups gnomAD compares: African/African-American, 0.0013%; no homozygotes.

Submissions (2):

Ambry Genetics
Classification: Uncertain significance. Last evaluated: 2025-08-14. Review status: criteria provided, single submitter. Criteria: Ambry Variant Classification Scheme 2023. Collection method: clinical testing. Allele origin: germline.
Comment: The p.N1007K variant (also known as c.3021T>G), located in coding exon 1 of the MLH3 gene, results from a T to G substitution at nucleotide position 3021. The asparagine at codon 1007 is replaced by lysine, an amino acid with similar properties. This amino acid position is poorly conserved in available vertebrate species. In addition, this alteration is predicted to be tolerated by in silico analysis. Since supporting evidence is limited at this time, the clinical significance of this alteration remains unclear.

Labcorp Genetics (formerly Invitae), Labcorp
Classification: Uncertain significance for Colorectal cancer, hereditary nonpolyposis, type 7. Last evaluated: 2017-12-19. Review status: criteria provided, single submitter. Criteria: Invitae Variant Classification Sherloc (09022015). Collection method: clinical testing. Allele origin: germline.
Comment: This variant has not been reported in the literature in individuals with MLH3-related disease. In summary, the available evidence is currently insufficient to determine the role of this variant in disease. Therefore, it has been classified as a Variant of Uncertain Significance. Algorithms developed to predict the effect of missense changes on protein structure and function (SIFT, PolyPhen-2, Align-GVGD) all suggest that this variant is likely to be tolerated, but these predictions have not been confirmed by published functional studies and their clinical significance is uncertain. This variant is not present in population databases (ExAC no frequency). This sequence change replaces asparagine with lysine at codon 1007 of the MLH3 protein (p.Asn1007Lys). The asparagine residue is weakly conserved and there is a moderate physicochemical difference between asparagine and lysine.